The following is an entry in ClinVar:

ClinVar aggregate classification (germline): Uncertain significance (1 of 4 stars; one submission).

Submission:

Molecular Genetics Laboratory, Motol Hospital
Classification: Uncertain significance. Last evaluated: 2025-01-08. Review status: criteria provided, single submitter. Criteria: ACMG Guidelines, 2015. Collection method: clinical testing. Allele origin: germline. Affected: yes. Observed: 1 variant allele.
Comment: The functional analyses were not performed, therefore the variant is classified as VUS (uncertain significance), although the in silico predictions suggest the deleterious effect on splicing. The different substitution NM_001130916.2:c.900-1G>A, also reported as NM_004612.4(TGFBR1):c.1131-1G>A, (ClinVar Variation ID: 3076060) is reported as VUS due to the absence in general population or affected individuals; ACMG PVS1, PM2.

NM_004612.4(TGFBR1):c.1131-1G>C

Gene: TGFBR1 (transforming growth factor beta receptor 1; plus strand). Cytogenetic location: 9q22.33.
Variant type: single nucleotide variant.
Coding change: c.1131-1G>C on transcript NM_004612.4 (MANE Select); the canonical splice acceptor site of the intron before coding-DNA position 1131, G replaced by C.
Molecular consequence: splice acceptor variant.
Genome position (GRCh38, 1-based): chr9:99,146,484, G>C. VCF-style: chr9-99146484-G-C. GRCh37 (hg19) VCF-style: chr9-101908766-G-C.
Other names: c.936-1G>C (NM_001407418.1, NM_001407419.1, NM_001407422.1 and 1 more transcripts); c.924-1G>C (NM_001407423.1, NM_001407424.1, NM_001407425.1 and 8 more transcripts); c.1143-1G>C (NM_001306210.2); c.975-1G>C (NM_001407416.1); c.963-1G>C (NM_001407417.1); c.900-1G>C (NM_001407435.1, NM_001130916.3); c.885-1G>C (NM_001407436.1); c.654-1G>C (NM_001407438.1); and 1 more.
Identifiers: ClinVar variation 3544415 (VCV003544415.2).